The following is an entry in ClinVar:

ClinVar aggregate classification (germline): Uncertain significance (1 of 4 stars; one submission).

Conditions:
Larsen-like syndrome, B3GAT3 type. Also called: Multiple joint dislocations, short stature, craniofacial dysmorphism, with or without congenital heart defects; MULTIPLE JOINT DISLOCATIONS, SHORT STATURE, AND CRANIOFACIAL DYSMORPHISM WITH OR WITHOUT CONGENITAL HEART DEFECTS. Identifiers: Orphanet 284139, MedGen CN034159, MONDO:0009511, OMIM 245600.

Submission:

Labcorp Genetics (formerly Invitae), Labcorp
Classification: Uncertain significance for Larsen-like syndrome, B3GAT3 type. Last evaluated: 2022-08-16. Review status: criteria provided, single submitter. Criteria: Invitae Variant Classification Sherloc (09022015). Collection method: clinical testing. Allele origin: germline.
Comment: A copy number gain of the genomic region encompassing the full coding sequence of the B3GAT3 gene has been identified. The boundaries of this event are unknown as they extend beyond the assayed region for this gene and therefore may encompass additional genes. As the precise location of this event is unknown, it may be in tandem or it may be located elsewhere in the genome. This variant has not been reported in the literature in individuals affected with B3GAT3-related conditions. In summary, the available evidence is currently insufficient to determine the role of this variant in disease. Therefore, it has been classified as a Variant of Uncertain Significance.

NC_000011.9:g.(?_62380754)_(62472984_?)dup

Genes: CSKMT (citrate synthase lysine methyltransferase; plus strand), UQCC3 (ubiquinol-cytochrome c reductase complex assembly factor 3; plus strand), B3GAT3 (beta-1,3-glucuronyltransferase 3; minus strand), BSCL2 (BSCL2 lipid droplet biogenesis associated, seipin; minus strand), GANAB (glucosidase II alpha subunit; minus strand) and 5 more. Cytogenetic location: 11q12.3.
Variant type: Duplication.
Identifiers: ClinVar variation 1411712 (VCV001411712.4).